The following is an entry in ClinVar:

ClinVar aggregate classification (germline): Uncertain significance. Review status: criteria provided, multiple submitters, no conflicts (2 of 4 stars). 3 submissions from 3 submitters: Uncertain significance (3). Last evaluated 2025-06-17.

Conditions:
Cardiovascular phenotype. Identifiers: MedGen CN230736.
RASopathy. Also called: Noonan spectrum disorder; rasopathies. Identifiers: Orphanet 536391, MedGen C5555857, MONDO:0021060.

Allele frequency attached by ClinVar (database versions not stated): gnomAD 0.00001; TOPMed 0.00001.
gnomAD v4.1: 8 of 1,547,568 alleles (0.00052%); highest among the groups gnomAD compares: African/African-American, 0.0014%; no homozygotes.

Submissions (3):

Labcorp Genetics (formerly Invitae), Labcorp
Classification: Uncertain significance for RASopathy. Last evaluated: 2025-06-17. Review status: criteria provided, single submitter. Criteria: Invitae Variant Classification Sherloc (09022015). Collection method: clinical testing. Allele origin: germline.
Comment: This sequence change replaces leucine, which is neutral and non-polar, with histidine, which is basic and polar, at codon 62 of the CBL protein (p.Leu62His). This variant is present in population databases (no rsID available, gnomAD 0.02%). This variant has not been reported in the literature in individuals affected with CBL-related conditions. ClinVar contains an entry for this variant (Variation ID: 2144546). Invitae Evidence Modeling of protein sequence and biophysical properties (such as structural, functional, and spatial information, amino acid conservation, physicochemical variation, residue mobility, and thermodynamic stability) has been performed for this missense variant. However, the output from this modeling did not meet the statistical confidence thresholds required to predict the impact of this variant on CBL protein function. In summary, the available evidence is currently insufficient to determine the role of this variant in disease. Therefore, it has been classified as a Variant of Uncertain Significance.

Ambry Genetics
Classification: Uncertain significance for Cardiovascular phenotype. Last evaluated: 2025-01-03. Review status: criteria provided, single submitter. Criteria: Ambry Variant Classification Scheme 2023. Collection method: clinical testing. Allele origin: germline.
Comment: The p.L62H variant (also known as c.185T>A), located in coding exon 1 of the CBL gene, results from a T to A substitution at nucleotide position 185. The leucine at codon 62 is replaced by histidine, an amino acid with similar properties. This amino acid position is conserved. In addition, the in silico prediction for this alteration is inconclusive. Based on the available evidence, the clinical significance of this variant remains unclear.

CeGaT Center for Human Genetics Tuebingen
Classification: Uncertain significance. Last evaluated: 2023-01-01. Review status: criteria provided, single submitter. Criteria: CeGaT Center For Human Genetics Tuebingen Variant Classification Criteria Version 2. Collection method: clinical testing. Allele origin: germline. Affected: yes. Observed: 1 variant allele.
Comment: CBL: PP3

NM_005188.4(CBL):c.185T>A (p.Leu62His)

Genes: CBL (Cbl proto-oncogene; plus strand), LOC130006895 (ATAC-STARR-seq lymphoblastoid silent region 3975; plus strand). Cytogenetic location: 11q23.3.
Variant type: single nucleotide variant.
Coding change: c.185T>A on transcript NM_005188.4 (MANE Select); coding-DNA position 185, T replaced by A.
Protein change: p.Leu62His; replaces leucine 62 with histidine.
Molecular consequence: missense variant.
Genome position (GRCh38, 1-based): chr11:119,206,602, T>A. VCF-style: chr11-119206602-T-A. GRCh37 (hg19) VCF-style: chr11-119077312-T-A.
Other names: c.185T>A (NM_005188.2); short protein forms L62H.
Identifiers: ClinVar variation 2144546 (VCV002144546.29), dbSNP rs1182439351, ClinGen allele CA382976707.
Genomic context (GRCh38, chr11:119,206,602, plus strand): 5'-ACCTCAGCCCCCACCCGCCGGGGACGGTGGACAAGAAGATGGTGGAGAAGTGCTGGAAGC[T>A]CATGGACAAGGTGAAAGGCCGGCTGAGCGCCCGCTGTTGCAGGGTGGGCGTGGGCGGAGG-3'
Protein context (NP_005179.2, residues 52-72): DKKMVEKCWK[Leu62His]MDKVVRLCQN